The following is an entry in ClinVar:

NM_001376.5(DYNC1H1):c.9656G>A (p.Arg3219His)

Gene: DYNC1H1 (dynein cytoplasmic 1 heavy chain 1; plus strand). Cytogenetic location: 14q32.31.
Variant type: single nucleotide variant.
Coding change: c.9656G>A on transcript NM_001376.5 (MANE Select); coding-DNA position 9656, G replaced by A.
Protein change: p.Arg3219His; replaces arginine 3219 with histidine.
Molecular consequence: missense variant.
Genome position (GRCh38, 1-based): chr14:102,029,832, G>A. VCF-style: chr14-102029832-G-A. GRCh37 (hg19) VCF-style: chr14-102496169-G-A.
Other names: short protein forms R3219H.
Identifiers: ClinVar variation 1304420 (VCV001304420.6), dbSNP rs1460582982, ClinGen allele CA391016603.
Genomic context (GRCh38, chr14:102,029,832, plus strand): 5'-TAATTTCTGCATGTTTCTCGTCTCTGAGTGTGGGCTTTGCTCTTTAGGTAGAAGAACTGC[G>A]TCGTGACTTGAGGATAAAGAGCCAAGAGCTGGAGGTGAAGAATGCAGCAGCCAATGACAA-3'
Protein context (NP_001367.2, residues 3209-3229): KETVDQVEEL[Arg3219His]RDLRIKSQEL

ClinVar aggregate classification (germline): Uncertain significance. Review status: criteria provided, multiple submitters, no conflicts (2 of 4 stars). 3 submissions from 3 submitters: Uncertain significance (3). Last evaluated 2026-06-10.

Conditions:
Charcot-Marie-Tooth disease axonal type 2O. Also called: CHARCOT-MARIE-TOOTH NEUROPATHY, AXONAL, TYPE 2O; CHARCOT-MARIE-TOOTH DISEASE, AXONAL, AUTOSOMAL DOMINANT, TYPE 2O; Charcot-Marie-Tooth Neuropathy Type 2O; Charcot-Marie-Tooth disease, axonal, type 20. Identifiers: Orphanet 284232, MedGen C3280220, MONDO:0013644, OMIM 614228.

Allele frequency attached by ClinVar (database versions not stated): gnomAD exomes below 0.00001.
gnomAD v4.1: 2 of 1,614,122 alleles (0.00012%); no homozygotes.

Submissions (3):

Women's Health and Genetics/Laboratory Corporation of America, LabCorp
Classification: Uncertain significance. Last evaluated: 2026-06-10. Review status: criteria provided, single submitter. Criteria: LabCorp Variant Classification Summary - May 2015. Collection method: clinical testing. Allele origin: germline.
Comment: Variant summary: DYNC1H1 c.9656G>A (p.Arg3219His) results in a non-conservative amino acid change in the encoded protein sequence. Algorithms developed to predict the effect of missense changes on protein structure and function all suggest that this variant is likely to be disruptive. The variant allele was found at a frequency of 4e-06 in 251402 control chromosomes. The available data on variant occurrences in the general population are insufficient to allow any conclusion about variant significance. To our knowledge, no occurrence of c.9656G>A in individuals affected with DYNC1H1-related conditions and no experimental evidence demonstrating its impact on protein function have been reported. ClinVar contains an entry for this variant (Variation ID: 1304420). Based on the evidence outlined above, the variant was classified as uncertain significance.

Labcorp Genetics (formerly Invitae), Labcorp
Classification: Uncertain significance for Charcot-Marie-Tooth disease axonal type 2O. Last evaluated: 2024-01-12. Review status: criteria provided, single submitter. Criteria: Invitae Variant Classification Sherloc (09022015). Collection method: clinical testing. Allele origin: germline.
Comment: This sequence change replaces arginine, which is basic and polar, with histidine, which is basic and polar, at codon 3219 of the DYNC1H1 protein (p.Arg3219His). The frequency data for this variant in the population databases is considered unreliable, as metrics indicate poor data quality at this position in the gnomAD database. This variant has not been reported in the literature in individuals affected with DYNC1H1-related conditions. ClinVar contains an entry for this variant (Variation ID: 1304420). Advanced modeling of protein sequence and biophysical properties (such as structural, functional, and spatial information, amino acid conservation, physicochemical variation, residue mobility, and thermodynamic stability) performed at Invitae indicates that this missense variant is expected to disrupt DYNC1H1 protein function with a positive predictive value of 95%. In summary, the available evidence is currently insufficient to determine the role of this variant in disease. Therefore, it has been classified as a Variant of Uncertain Significance.

GeneDx
Classification: Uncertain significance. Last evaluated: 2019-10-28. Review status: criteria provided, single submitter. Criteria: GeneDx Variant Classification Process June 2021. Collection method: clinical testing. Allele origin: germline. Affected: yes.
Comment: Not observed at a significant frequency in large population cohorts (Lek et al., 2016); In silico analysis, which includes protein predictors and evolutionary conservation, supports a deleterious effect; Has not been previously published as pathogenic or benign to our knowledge